The following is an entry in ClinVar:

NM_001384910.1(GUCA1A):c.430G>A (p.Asp144Asn)

Genes: GUCA1A (guanylate cyclase activator 1A; plus strand), GUCA1ANB-GUCA1A (GUCA1ANB-GUCA1A readthrough; plus strand). Cytogenetic location: 6p21.1.
Variant type: single nucleotide variant.
Coding change: c.430G>A on transcript NM_001384910.1 (MANE Select); coding-DNA position 430, G replaced by A.
Protein change: p.Asp144Asn; replaces aspartic acid 144 with asparagine.
Molecular consequence: missense variant.
Genome position (GRCh38, 1-based): chr6:42,178,880, G>A. VCF-style: chr6-42178880-G-A. GRCh37 (hg19) VCF-style: chr6-42146618-G-A.
Other names: c.430G>A, p.Asp144Asn (NM_000409.5, NM_001319061.2, NM_001319062.2); short protein forms D144N.
Identifiers: ClinVar variation 3249252 (VCV003249252.3).

ClinVar aggregate classification (germline): Likely pathogenic. Review status: criteria provided, single submitter (1 of 4 stars). 2 submissions from 2 submitters: Likely pathogenic (1). 1 of the submissions does not count toward it. Last evaluated 2023-11-02.

Conditions:
Retinal dystrophy. Also called: Inherited retinal dystrophy. Identifiers: Orphanet 71862, MedGen C0854723, MeSH D058499, MONDO:0019118, HP:0000556.

Submissions (2):

Centre of Medical Genetics, University Hospital Muenster
Classification: Likely pathogenic. Last evaluated: 2023-11-02. Review status: criteria provided, single submitter. Criteria: ACMG Guidelines, 2015. Collection method: clinical testing. Allele origin: unknown. Affected: yes. Observed: 1 variant allele, 1 heterozygote.
Comment: ACMG categories: PM1,PM2,PM5,PP2,PP3

Institute of Human Genetics, Univ. Regensburg, Univ. Regensburg
Classification: Uncertain significance for Retinal dystrophy. Last evaluated: 2022-01-01. Review status: no assertion criteria provided. Criteria: ACMG Guidelines, 2015. Collection method: clinical testing. Allele origin: germline. Affected: yes. Not counted in ClinVar's aggregate classification.